The following is an entry in ClinVar:

NM_147127.5(EVC2):c.878C>T (p.Pro293Leu)

Gene: EVC2 (EvC ciliary complex subunit 2; minus strand). Cytogenetic location: 4p16.2.
Variant type: single nucleotide variant.
Coding change: c.878C>T on transcript NM_147127.5 (MANE Select); coding-DNA position 878, C replaced by T.
Protein change: p.Pro293Leu; replaces proline 293 with leucine.
Molecular consequence: missense variant.
Genome position (GRCh38, 1-based): chr4:5,665,642, G>A on the plus strand (C>T on the coding strand, the complement: EVC2 is on the minus strand). VCF-style: chr4-5665642-G-A. GRCh37 (hg19) VCF-style: chr4-5667369-G-A.
Other names: c.638C>T, p.Pro213Leu (NM_001166136.2); short protein forms P293L, P213L.
Identifiers: ClinVar variation 595833 (VCV000595833.11), dbSNP rs138882677, ClinGen allele CA2835245.

ClinVar aggregate classification (germline): Uncertain significance. Review status: criteria provided, multiple submitters, no conflicts (2 of 4 stars). 3 submissions from 3 submitters: Uncertain significance (3). Last evaluated 2024-11-19.

Conditions:
Ellis-van Creveld syndrome (EVC). Also called: EVC-Related Ellis-van Creveld Syndrome; EVC2-Related Ellis-van Creveld Syndrome; Chondroectodermal dysplasia; MESOECTODERMAL DYSPLASIA. Identifiers: Orphanet 289, MedGen C0013903, MONDO:0009162, OMIM 225500.
Curry-Hall syndrome (WAD). Also called: WEYERS ACRODENTAL DYSOSTOSIS. Identifiers: Orphanet 952, MedGen C0457013, MONDO:0008673, OMIM 193530.
Inborn genetic diseases. Identifiers: MedGen C0950123, MeSH D030342.

Allele frequency attached by ClinVar (database versions not stated): gnomAD exomes 0.00002 and 0.00004; ExAC 0.00005; gnomAD 0.00011; TOPMed 0.00012; ESP Exome Variant Server 0.00023.
gnomAD v4.1: 51 of 1,614,036 alleles (0.0032%); highest among the groups gnomAD compares: Middle Eastern, 0.033%; no homozygotes.

Submissions (3):

Labcorp Genetics (formerly Invitae), Labcorp
Classification: Uncertain significance for Curry-Hall syndrome; Ellis-van Creveld syndrome. Last evaluated: 2024-11-19. Review status: criteria provided, single submitter. Criteria: Invitae Variant Classification Sherloc (09022015). Collection method: clinical testing. Allele origin: germline.
Comment: This sequence change replaces proline, which is neutral and non-polar, with leucine, which is neutral and non-polar, at codon 293 of the EVC2 protein (p.Pro293Leu). This variant is present in population databases (rs138882677, gnomAD 0.03%). This variant has not been reported in the literature in individuals affected with EVC2-related conditions. ClinVar contains an entry for this variant (Variation ID: 595833). An algorithm developed to predict the effect of missense changes on protein structure and function (PolyPhen-2) suggests that this variant is likely to be disruptive. In summary, the available evidence is currently insufficient to determine the role of this variant in disease. Therefore, it has been classified as a Variant of Uncertain Significance.

Ambry Genetics
Classification: Uncertain significance for Inborn genetic diseases. Last evaluated: 2021-07-14. Review status: criteria provided, single submitter. Criteria: Ambry Variant Classification Scheme 2023. Collection method: clinical testing. Allele origin: germline.

Eurofins Ntd Llc (ga)
Classification: Uncertain significance. Last evaluated: 2018-01-23. Review status: criteria provided, single submitter. Criteria: EGL Classification Definitions 2015. Collection method: clinical testing. Allele origin: germline. Observed: 1 variant allele, 1 heterozygote.